The following is an entry in ClinVar:

NM_002497.4(NEK2):c.96+5G>C

Genes: NEK2 (NIMA related kinase 2; minus strand), LOC129932452 (ATAC-STARR-seq lymphoblastoid active region 2489; plus strand). Cytogenetic location: 1q32.3.
Variant type: single nucleotide variant.
Coding change: c.96+5G>C on transcript NM_002497.4 (MANE Select); 5 bases into the intron after coding-DNA position 96, G replaced by C.
Molecular consequence: intron variant.
Genome position (GRCh38, 1-based): chr1:211,675,379, C>G on the plus strand (G>C on the coding strand, the complement: NEK2 is on the minus strand). VCF-style: chr1-211675379-C-G. GRCh37 (hg19) VCF-style: chr1-211848721-C-G.
Other names: c.96+5G>C (NM_001204182.2, NM_001204183.2).
Identifiers: ClinVar variation 3668872 (VCV003668872.2).

ClinVar aggregate classification (germline): Uncertain significance (1 of 4 stars; one submission).

gnomAD v4.1: 26 of 1,613,544 alleles (0.0016%); highest among the groups gnomAD compares: Non-Finnish European, 0.0022%; no homozygotes.

Submission:

Labcorp Genetics (formerly Invitae), Labcorp
Classification: Uncertain significance. Last evaluated: 2024-04-07. Review status: criteria provided, single submitter. Criteria: Invitae Variant Classification Sherloc (09022015). Collection method: clinical testing. Allele origin: germline.
Comment: This sequence change falls in intron 1 of the NEK2 gene. It does not directly change the encoded amino acid sequence of the NEK2 protein. It affects a nucleotide within the consensus splice site. This variant is present in population databases (rs762378329, gnomAD 0.0009%). This variant has not been reported in the literature in individuals affected with NEK2-related conditions. Variants that disrupt the consensus splice site are a relatively common cause of aberrant splicing (PMID: 17576681, 9536098). Algorithms developed to predict the effect of sequence changes on RNA splicing suggest that this variant is not likely to affect RNA splicing. In summary, the available evidence is currently insufficient to determine the role of this variant in disease. Therefore, it has been classified as a Variant of Uncertain Significance.

Literature cited by the submitters: PubMed 17576681; PubMed 9536098.